The following is an entry in ClinVar:

NM_018297.4(NGLY1):c.626A>G (p.Glu209Gly)

Gene: NGLY1 (N-glycanase 1; minus strand). Cytogenetic location: 3p24.2.
Variant type: single nucleotide variant.
Coding change: c.626A>G on transcript NM_018297.4 (MANE Select); coding-DNA position 626, A replaced by G.
Protein change: p.Glu209Gly; replaces glutamic acid 209 with glycine.
Molecular consequence: missense variant.
Genome position (GRCh38, 1-based): chr3:25,751,130, T>C on the plus strand (A>G on the coding strand, the complement: NGLY1 is on the minus strand). VCF-style: chr3-25751130-T-C. GRCh37 (hg19) VCF-style: chr3-25792621-T-C.
Other names: c.626A>G, p.Glu209Gly (NM_001145293.2, NM_001145295.2); c.500A>G, p.Glu167Gly (NM_001145294.2); short protein forms E167G, E209G.
Identifiers: ClinVar variation 1046193 (VCV001046193.4), dbSNP rs1706725084, ClinGen allele CA351905834.
Genomic context (GRCh38, chr3:25,751,130, plus strand): 5'-GCAATAAATGATTATGTAAAGCTACTACCTTTATCCAATTTTCTAGCTCTCGATAACTTT[T>C]CTTGTGATTTCCTTTTTAGTTCTTGGACCGGAATACAAGCCAACGCTTTCTCCTGAAGAG-3'
Protein context (NP_060767.2, residues 199-219): PVQELKRKSQ[Glu209Gly]KLSRARKLDK

ClinVar aggregate classification (germline): Uncertain significance (1 of 4 stars; one submission).

Conditions:
Congenital disorder of deglycosylation (CDDG). Identifiers: MedGen C3808991, MONDO:0031376.

Allele frequency attached by ClinVar (database versions not stated): gnomAD 0.00001; gnomAD exomes 0.00001; TOPMed 0.00001.
gnomAD v4.1: 15 of 1,613,232 alleles (0.00093%); highest among the groups gnomAD compares: African/African-American, 0.0013%; no homozygotes.

Submission:

Labcorp Genetics (formerly Invitae), Labcorp
Classification: Uncertain significance for Congenital disorder of deglycosylation. Last evaluated: 2022-09-01. Review status: criteria provided, single submitter. Criteria: Invitae Variant Classification Sherloc (09022015). Collection method: clinical testing. Allele origin: germline.
Comment: This variant is not present in population databases (gnomAD no frequency). In summary, the available evidence is currently insufficient to determine the role of this variant in disease. Therefore, it has been classified as a Variant of Uncertain Significance. Algorithms developed to predict the effect of missense changes on protein structure and function are either unavailable or do not agree on the potential impact of this missense change (SIFT: "Deleterious"; PolyPhen-2: "Benign"; Align-GVGD: "Class C15"). ClinVar contains an entry for this variant (Variation ID: 1046193). This variant has not been reported in the literature in individuals affected with NGLY1-related conditions. This sequence change replaces glutamic acid, which is acidic and polar, with glycine, which is neutral and non-polar, at codon 209 of the NGLY1 protein (p.Glu209Gly).